The following is an entry in ClinVar:

NM_000550.3(TYRP1):c.265G>A (p.Val89Ile)

Gene: TYRP1 (tyrosinase related protein 1; plus strand). Cytogenetic location: 9p23.
Variant type: single nucleotide variant.
Coding change: c.265G>A on transcript NM_000550.3 (MANE Select); coding-DNA position 265, G replaced by A.
Protein change: p.Val89Ile; replaces valine 89 with isoleucine.
Molecular consequence: missense variant.
Genome position (GRCh38, 1-based): chr9:12,694,261, G>A. VCF-style: chr9-12694261-G-A. GRCh37 (hg19) VCF-style: chr9-12694261-G-A.
Other names: short protein forms V89I.
Identifiers: ClinVar variation 1521279 (VCV001521279.5), dbSNP rs1483728996, ClinGen allele CA372936693.

ClinVar aggregate classification (germline): Uncertain significance (1 of 4 stars; one submission).

Allele frequency attached by ClinVar (database versions not stated): TOPMed below 0.00001; gnomAD exomes 0.00002.

Submission:

Labcorp Genetics (formerly Invitae), Labcorp
Classification: Uncertain significance. Last evaluated: 2021-08-14. Review status: criteria provided, single submitter. Criteria: Invitae Variant Classification Sherloc (09022015). Collection method: clinical testing. Allele origin: germline.
Comment: This sequence change replaces valine with isoleucine at codon 89 of the TYRP1 protein (p.Val89Ile). The valine residue is weakly conserved and there is a small physicochemical difference between valine and isoleucine. This variant is not present in population databases (ExAC no frequency). This variant has not been reported in the literature in individuals affected with TYRP1-related conditions. Algorithms developed to predict the effect of missense changes on protein structure and function (SIFT, PolyPhen-2, Align-GVGD) all suggest that this variant is likely to be tolerated. In summary, the available evidence is currently insufficient to determine the role of this variant in disease. Therefore, it has been classified as a Variant of Uncertain Significance.